The following is an entry in ClinVar:

NM_144687.4(NLRP12):c.2764_2778del (p.Ile922_Gly926del)

Gene: NLRP12 (NLR family pyrin domain containing 12; minus strand). Cytogenetic location: 19q13.42.
Variant type: Deletion.
Coding change: c.2764_2778del on transcript NM_144687.4 (MANE Select); coding-DNA positions 2764 to 2778, 15 bases deleted (ATCTGCCGGCTGGGC).
Protein change: p.Ile922_Gly926del.
Molecular consequence: inframe deletion. On other transcripts: intron variant (1).
Genome position (GRCh38, 1-based): chr19:53,798,392-53,798,406, GCCCAGCCGGCAGAT deleted on the plus strand (ATCTGCCGGCTGGGC on the coding strand, the reverse complement: NLRP12 is on the minus strand); deleting any 15 consecutive bases within chr19:53,798,392-53,798,411 gives the same sequence; the c. name uses the placement nearest the transcript's 3' end. VCF-style (leftmost placement, unchanged base first): chr19-53798391-AGCCCAGCCGGCAGAT-A. GRCh37 (hg19) VCF-style: chr19-54301645-AGCCCAGCCGGCAGAT-A.
Other names: c.2767_2781del, p.Ile923_Gly927del (NM_001277126.2); c.2757-2377_2757-2363del (NM_001277129.1).
Identifiers: ClinVar variation 2131223 (VCV002131223.4), dbSNP rs2514234113, ClinGen allele CA2580097748.
Genomic context (GRCh38, chr19:53,798,391, plus strand): 5'-CCAGCTCCCGGAGGTTGTGGTTGGCCTGGAGCACCACAGAAAGACCCTCACAGGCGGCAG[AGCCCAGCCGGCAGAT>A]GCCCAACCTGCAAAGACAGGATGCTAGGGCGGAGTGGGAGGCATTCCTCCTGCAAAATCT-3'

ClinVar aggregate classification (germline): Uncertain significance (1 of 4 stars; one submission).

Conditions:
Familial cold autoinflammatory syndrome 2 (FCAS2). Identifiers: Orphanet 247868, MedGen C2673198, MONDO:0012724, OMIM 611762.

Submission:

Labcorp Genetics (formerly Invitae), Labcorp
Classification: Uncertain significance for Familial cold autoinflammatory syndrome 2. Last evaluated: 2022-05-12. Review status: criteria provided, single submitter. Criteria: Invitae Variant Classification Sherloc (09022015). Collection method: clinical testing. Allele origin: germline.
Comment: In summary, the available evidence is currently insufficient to determine the role of this variant in disease. Therefore, it has been classified as a Variant of Uncertain Significance. Experimental studies and prediction algorithms are not available or were not evaluated, and the functional significance of this variant is currently unknown. This variant has not been reported in the literature in individuals affected with NLRP12-related conditions. This variant is not present in population databases (gnomAD no frequency). This variant, c.2764_2778del, results in the deletion of 5 amino acid(s) of the NLRP12 protein (p.Ile922_Gly926del), but otherwise preserves the integrity of the reading frame.